The following is an entry in ClinVar:

ClinVar aggregate classification (germline): Likely pathogenic (1 of 4 stars; one submission).

Conditions:
CFTR-related disorder (CFTR-RD). Also called: CFTR-related disorders; CFTR-related condition. Identifiers: MedGen C5924204, MONDO:7770004.

Submission:

Natera, Inc.
Classification: Likely pathogenic for CFTR-related disorders. Last evaluated: 2025-05-05. Review status: criteria provided, single submitter. Criteria: Natera Variant Classification Schema (03/2026). Collection method: clinical testing. Allele origin: germline.
Comment: The c.1381G>A variant in CFTR is a missense variant predicted to cause substitution of glycine to arginine at amino acid 461. This variant is rare in the general population with a frequency below the threshold expected for the associated phenotype(s). This variant has been observed in one or more individuals affected with the associated recessive disease, as either homozygous or compound heterozygous with a second variant (PMID: 32084388, 29983195). This variant has been identified in one or more affected individuals with a phenotype highly consistent with the associated gene (PMID: 32084388, 29983195). Computational prediction algorithms indicate this variant is likely to affect gene or protein function. Given the available evidence, this variant is classified as Likely Pathogenic.

Literature cited by the submitters: PubMed 32084388; PubMed 29983195.

NM_000492.4(CFTR):c.1381G>A (p.Gly461Arg)

Genes: CFTR (CF transmembrane conductance regulator; plus strand), CFTR-AS1 (CFTR antisense RNA 1; minus strand). Cytogenetic location: 7q31.2.
Variant type: single nucleotide variant.
Coding change: c.1381G>A on transcript NM_000492.4 (MANE Select); coding-DNA position 1381, G replaced by A.
Protein change: p.Gly461Arg; replaces glycine 461 with arginine.
Molecular consequence: missense variant.
Genome position (GRCh38, 1-based): chr7:117,548,812, G>A. VCF-style: chr7-117548812-G-A. GRCh37 (hg19) VCF-style: chr7-117188866-G-A.
Other names: short protein forms G461R.
Identifiers: ClinVar variation 4818470 (VCV004818470.1).